The following is an entry in ClinVar:

NM_001130965.3(SUN1):c.679C>G (p.Leu227Val)

Gene: SUN1 (Sad1 and UNC84 domain containing 1; plus strand). Cytogenetic location: 7p22.3.
Variant type: single nucleotide variant.
Coding change: c.679C>G on transcript NM_001130965.3 (MANE Select); coding-DNA position 679, C replaced by G.
Protein change: p.Leu227Val; replaces leucine 227 with valine.
Molecular consequence: missense variant. On other transcripts: non-coding transcript variant (3), intron variant (12).
Genome position (GRCh38, 1-based): chr7:851,404, C>G. VCF-style: chr7-851404-C-G. GRCh37 (hg19) VCF-style: chr7-891041-C-G.
Other names: c.811C>G, p.Leu271Val (NM_001367706.1, NM_001367707.1, NM_001367646.1 and 1 more transcripts); c.112C>G, p.Leu38Val (NM_001367708.1); c.1052-546C>G (NM_001367690.1); c.941-546C>G (NM_001367676.1, NM_001367675.1, NM_001367640.1); c.968-546C>G (NM_001367700.1); c.743-546C>G (NM_001367642.1); c.770-546C>G (NM_001367704.1, NM_001367702.1); c.452-546C>G (NM_001171944.2); and 24 more; short protein forms L214V, L243V, L255V, L280V, L293V, L330V, L236V, L358V.
Identifiers: ClinVar variation 2131835 (VCV002131835.4), dbSNP rs771580603, ClinGen allele CA366528734.
Genomic context (GRCh38, chr7:851,404, plus strand): 5'-CTGGCGTCTGTCTGAGGCCACACACGTCTTCCCTGCACAGGTTACTTCTTGCTGCAGATT[C>G]TGCGCAGGATCGGAGCTGTGGGCCAGGCTGTGTCCAGGACGGCGTGGTCGGCCCTTTGGC-3'
Protein context (NP_001124437.1, residues 217-237): NQKCYFLLQI[Leu227Val]RRIGAVGQAV

ClinVar aggregate classification (germline): Uncertain significance (1 of 4 stars; one submission).

Conditions:
Emery-Dreifuss muscular dystrophy (EDMD). Also called: Scapuloperoneal syndrome, X-linked (formerly); Humeroperoneal neuromuscular disease, (formerly). Identifiers: Orphanet 261, MedGen C0410189, MONDO:0016830.

gnomAD v4.1: 1 of 1,607,216 alleles (0.000062%); highest among the groups gnomAD compares: South Asian, 0.0011%; no homozygotes.

Submission:

Labcorp Genetics (formerly Invitae), Labcorp
Classification: Uncertain significance for Emery-Dreifuss muscular dystrophy. Last evaluated: 2022-05-07. Review status: criteria provided, single submitter. Criteria: Invitae Variant Classification Sherloc (09022015). Collection method: clinical testing. Allele origin: germline.
Comment: This sequence change replaces leucine, which is neutral and non-polar, with valine, which is neutral and non-polar, at codon 227 of the SUN1 protein (p.Leu227Val). Algorithms developed to predict the effect of missense changes on protein structure and function are either unavailable or do not agree on the potential impact of this missense change (SIFT: "Tolerated"; PolyPhen-2: "Possibly Damaging"; Align-GVGD: "Class C0"). This variant has not been reported in the literature in individuals affected with SUN1-related conditions. This variant is not present in population databases (gnomAD no frequency). In summary, the available evidence is currently insufficient to determine the role of this variant in disease. Therefore, it has been classified as a Variant of Uncertain Significance.